The following is an entry in ClinVar:

NM_000117.3(EMD):c.711C>G (p.Ile237Met)

Gene: EMD (emerin; plus strand). Cytogenetic location: Xq28.
Variant type: single nucleotide variant.
Coding change: c.711C>G on transcript NM_000117.3 (MANE Select); coding-DNA position 711, C replaced by G.
Protein change: p.Ile237Met; replaces isoleucine 237 with methionine.
Molecular consequence: missense variant.
Genome position (GRCh38, 1-based): chrX:154,381,143, C>G. VCF-style: chrX-154381143-C-G. GRCh37 (hg19) VCF-style: chrX-153609503-C-G.
Other names: short protein forms I237M.
Identifiers: ClinVar variation 228667 (VCV000228667.4), dbSNP rs727503037, ClinGen allele CA10577206.

ClinVar aggregate classification (germline): Uncertain significance (1 of 4 stars; one submission).

Submission:

Laboratory for Molecular Medicine, Mass General Brigham Personalized Medicine
Classification: Uncertain significance. Last evaluated: 2015-10-12. Review status: criteria provided, single submitter. Criteria: LMM Criteria. Collection method: clinical testing. Allele origin: germline. Observed: 1 variant allele.
Comment: The p.Ile237Met variant in EMD has not been previously reported in individuals w ith cardiomyopathy and was absent from large population studies. Computational p rediction tools and conservation analysis suggest that the p.Ile237Met variant m ay not impact the protein, though this information is not predictive enough to r ule out pathogenicity. In summary, the clinical significance of the p.Ile237Met variant is uncertain.